The following is an entry in ClinVar:

ClinVar aggregate classification (germline): Pathogenic. Review status: criteria provided, multiple submitters, no conflicts (2 of 4 stars). 4 submissions from 4 submitters: Pathogenic (3). 1 of the submissions does not count toward it. Last evaluated 2025-08-19.

Conditions:
Hypoparathyroidism, deafness, renal disease syndrome (HDRS). Also called: HYPOPARATHYROIDISM, SENSORINEURAL DEAFNESS, AND RENAL DYSPLASIA SYNDROME. Identifiers: Orphanet 2237, MedGen C1840333, MONDO:0007797, OMIM 146255.
GATA3-related disorder. Also called: GATA3-related condition.

Submissions (4):

3billion
Classification: Pathogenic for Hypoparathyroidism, deafness, renal disease syndrome. Last evaluated: 2025-08-19. Review status: criteria provided, single submitter. Criteria: ACMG Guidelines, 2015. Collection method: clinical testing. Allele origin: germline. Affected: yes.
Comment: The variant is observed at an extremely low frequency in the gnomAD v4.1.0 dataset (total allele frequency: <0.001%). Predicted Consequence/Location: Frameshift: predicted to result in a loss or disruption of normal protein function through nonsense-mediated decay (NMD) or protein truncation. Multiple pathogenic variants are reported downstream of the variant. The variant has been reported at least twice as pathogenic with clinical assertions and evidence for the classification (ClinVar ID: VCV001452435 /PMID: 17210674 /3billion dataset). Therefore, this variant is classified as Pathogenic according to the recommendation of ACMG/AMP guideline.

GeneDx
Classification: Pathogenic. Last evaluated: 2025-03-19. Review status: criteria provided, single submitter. Criteria: GeneDx Variant Classification Process June 2021. Collection method: clinical testing. Allele origin: germline. Affected: yes.
Comment: Frameshift variant predicted to result in protein truncation or nonsense mediated decay in a gene for which loss of function is a known mechanism of disease; Not observed at significant frequency in large population cohorts (gnomAD); This variant is associated with the following publications: (PMID: 34136434, 17210674)

Labcorp Genetics (formerly Invitae), Labcorp
Classification: Pathogenic. Last evaluated: 2024-10-17. Review status: criteria provided, single submitter. Criteria: Invitae Variant Classification Sherloc (09022015). Collection method: clinical testing. Allele origin: germline.
Comment: This sequence change creates a premature translational stop signal (p.Pro135Argfs*60) in the GATA3 gene. It is expected to result in an absent or disrupted protein product. Loss-of-function variants in GATA3 are known to be pathogenic (PMID: 14985365, 21242646). This variant is not present in population databases (gnomAD no frequency). This premature translational stop signal has been observed in individual(s) with hypoparathyroidism, deafness, and renal dysplasia syndrome (PMID: 17210674). ClinVar contains an entry for this variant (Variation ID: 1452435). For these reasons, this variant has been classified as Pathogenic.

PreventionGenetics, part of Exact Sciences
Classification: Pathogenic for GATA3-related condition. Last evaluated: 2024-05-23. Review status: no assertion criteria provided. Collection method: clinical testing. Allele origin: germline. Not counted in ClinVar's aggregate classification.
Comment: The GATA3 c.404delC variant is predicted to result in a frameshift and premature protein termination (p.Pro135Argfs*60). This variant was reported in two individuals with hypoparathyroidism, deafness and renal dysplasia syndrome (reported as codon 135 in Table 2, Ali et al. 2007. PubMed ID: 17210674; Table 2, Imafidon et al. 2021. PubMed ID: 34136434). This variant has not been reported in a large population database, indicating this variant is rare. Frameshift variants in GATA3 are expected to be pathogenic. This variant is interpreted as likely pathogenic.

Literature cited by the submitters: PubMed 17210674 (cited by 3billion and Labcorp Genetics (formerly Invitae), Labcorp); PubMed 14985365 (cited by Labcorp Genetics (formerly Invitae), Labcorp); PubMed 21242646 (cited by Labcorp Genetics (formerly Invitae), Labcorp).

NM_001002295.2(GATA3):c.404del (p.Pro135fs)

Gene: GATA3 (GATA binding protein 3; plus strand). Cytogenetic location: 10p14.
Variant type: Deletion.
Coding change: c.404del on transcript NM_001002295.2 (MANE Select); coding-DNA position 404, one base deleted (C; older notation c.404delC).
Protein change: p.Pro135fs; shifts the reading frame from proline 135.
Molecular consequence: frameshift variant.
Genome position (GRCh38, 1-based): chr10:8,058,467, C deleted; the last of 6 consecutive C bases (chr10:8,058,462-8,058,467); deleting any one gives the same sequence. VCF-style (leftmost placement, unchanged base first): chr10-8058461-AC-A. GRCh37 (hg19) VCF-style: chr10-8100424-AC-A.
Other names: c.404del, p.Pro135fs (NM_002051.3); c.404del (NM_001002295.1); c.404delC (NM_001002295.1); short protein forms P135fs.
Identifiers: ClinVar variation 1452435 (VCV001452435.13), dbSNP rs772396478, ClinGen allele CA2573145635.